The following is an entry in ClinVar:

NM_001035.3(RYR2):c.1120T>C (p.Tyr374His)

Gene: RYR2 (ryanodine receptor 2; plus strand). Cytogenetic location: 1q43.
Variant type: single nucleotide variant.
Coding change: c.1120T>C on transcript NM_001035.3 (MANE Select); coding-DNA position 1120, T replaced by C.
Protein change: p.Tyr374His; replaces tyrosine 374 with histidine.
Molecular consequence: missense variant.
Genome position (GRCh38, 1-based): chr1:237,441,433, T>C. VCF-style: chr1-237441433-T-C. GRCh37 (hg19) VCF-style: chr1-237604733-T-C.
Other names: c.1120T>C (NM_001035.2); short protein forms Y374H.
Identifiers: ClinVar variation 3075321 (VCV003075321.4), dbSNP rs2528322522, ClinGen allele CA345376432.

ClinVar aggregate classification (germline): Uncertain significance. Review status: criteria provided, multiple submitters, no conflicts (2 of 4 stars). 3 submissions from 3 submitters: Uncertain significance (3). Last evaluated 2026-02-24.

Conditions:
Cardiovascular phenotype. Identifiers: MedGen CN230736.
Catecholaminergic polymorphic ventricular tachycardia 1. Also called: VENTRICULAR TACHYCARDIA, STRESS-INDUCED POLYMORPHIC 1; VENTRICULAR TACHYCARDIA, CATECHOLAMINERGIC POLYMORPHIC, 1, WITH OR WITHOUT ATRIAL DYSFUNCTION AND/OR DILATED CARDIOMYOPATHY; RYR2-Related Catecholaminergic Polymorphic Ventricular Tachycardia. Identifiers: Orphanet 3286, MedGen C1631597, MONDO:0011484, OMIM 604772.
Catecholaminergic polymorphic ventricular tachycardia (CVPT). Also called: Catecholamine-induced polymorphic ventricular tachycardia. Identifiers: Orphanet 3286, MedGen C5574922, MONDO:0017990.

Allele frequency attached by ClinVar (database versions not stated): gnomAD exomes below 0.00001.
gnomAD v4.1: 2 of 1,608,420 alleles (0.00012%); highest among the groups gnomAD compares: East Asian, 0.0022%; no homozygotes.

Submissions (3):

Ambry Genetics
Classification: Uncertain significance for Cardiovascular phenotype. Last evaluated: 2026-02-24. Review status: criteria provided, single submitter. Criteria: Ambry Variant Classification Scheme 2023. Collection method: clinical testing. Allele origin: germline.
Comment: The p.Y374H variant (also known as c.1120T>C), located in coding exon 13 of the RYR2 gene, results from a T to C substitution at nucleotide position 1120. The tyrosine at codon 374 is replaced by histidine, an amino acid with similar properties. This amino acid position is conserved. In addition, the in silico prediction for this alteration is inconclusive. Based on the available evidence, the clinical significance of this variant remains unclear.

Labcorp Genetics (formerly Invitae), Labcorp
Classification: Uncertain significance for Catecholaminergic polymorphic ventricular tachycardia 1. Last evaluated: 2024-12-11. Review status: criteria provided, single submitter. Criteria: Invitae Variant Classification Sherloc (09022015). Collection method: clinical testing. Allele origin: germline.
Comment: This sequence change replaces tyrosine, which is neutral and polar, with histidine, which is basic and polar, at codon 374 of the RYR2 protein (p.Tyr374His). This variant is not present in population databases (gnomAD no frequency). This variant has not been reported in the literature in individuals affected with RYR2-related conditions. ClinVar contains an entry for this variant (Variation ID: 3075321). Invitae Evidence Modeling of protein sequence and biophysical properties (such as structural, functional, and spatial information, amino acid conservation, physicochemical variation, residue mobility, and thermodynamic stability) indicates that this missense variant is expected to disrupt RYR2 protein function with a positive predictive value of 95%. In summary, the available evidence is currently insufficient to determine the role of this variant in disease. Therefore, it has been classified as a Variant of Uncertain Significance.

All of Us Research Program, National Institutes of Health
Classification: Uncertain significance for Catecholaminergic polymorphic ventricular tachycardia. Last evaluated: 2024-01-11. Review status: criteria provided, single submitter. Criteria: ACMG Guidelines, 2015. Collection method: clinical testing. Allele origin: germline. Inheritance: Autosomal dominant inheritance. Observed: 1 variant allele, 1 heterozygote.
Comment: This study involves interpretation of variants in research participants for the purpose of population health screening. Participant phenotype was not available at the time of variant classification. Additional details can be found in publication PMID: 35346344, PMCID: PMC8962531